The following is an entry in ClinVar:

ClinVar aggregate classification (germline): Uncertain significance. Review status: criteria provided, single submitter (1 of 4 stars). 2 submissions from 2 submitters: Uncertain significance (1). 1 of the submissions does not count toward it. Last evaluated 2023-12-06.

Conditions:
Glycogen storage disease type III (GSD3). Also called: Cori disease; FORBES DISEASE. Identifiers: Orphanet 366, MedGen C0017922, MONDO:0009291, OMIM 232400.

Allele frequency attached by ClinVar (database versions not stated): gnomAD exomes 0.00001; TOPMed 0.00002.
gnomAD v4.1: 6 of 1,613,644 alleles (0.00037%); highest among the groups gnomAD compares: Non-Finnish European, 0.00051%; no homozygotes.

Submissions (2):

Labcorp Genetics (formerly Invitae), Labcorp
Classification: Uncertain significance for Glycogen storage disease type III. Last evaluated: 2023-12-06. Review status: criteria provided, single submitter. Criteria: Invitae Variant Classification Sherloc (09022015). Collection method: clinical testing. Allele origin: germline.
Comment: This sequence change replaces threonine, which is neutral and polar, with serine, which is neutral and polar, at codon 1016 of the AGL protein (p.Thr1016Ser). This variant is not present in population databases (gnomAD no frequency). This variant has not been reported in the literature in individuals affected with AGL-related conditions. ClinVar contains an entry for this variant (Variation ID: 959928). Advanced modeling of protein sequence and biophysical properties (such as structural, functional, and spatial information, amino acid conservation, physicochemical variation, residue mobility, and thermodynamic stability) performed at Invitae indicates that this missense variant is not expected to disrupt AGL protein function with a negative predictive value of 80%. In summary, the available evidence is currently insufficient to determine the role of this variant in disease. Therefore, it has been classified as a Variant of Uncertain Significance.

Natera, Inc.
Classification: Uncertain significance for Glycogen storage disease type III. Last evaluated: 2021-04-18. Review status: no assertion criteria provided. Collection method: clinical testing. Allele origin: germline. Not counted in ClinVar's aggregate classification.

NM_000642.3(AGL):c.3046A>T (p.Thr1016Ser)

Gene: AGL (amylo-alpha-1,6-glucosidase and 4-alpha-glucanotransferase; plus strand). Cytogenetic location: 1p21.2.
Variant type: single nucleotide variant.
Coding change: c.3046A>T on transcript NM_000642.3 (MANE Select); coding-DNA position 3046, A replaced by T.
Protein change: p.Thr1016Ser; replaces threonine 1016 with serine.
Molecular consequence: missense variant.
Genome position (GRCh38, 1-based): chr1:99,891,702, A>T. VCF-style: chr1-99891702-A-T. GRCh37 (hg19) VCF-style: chr1-100357258-A-T.
Other names: c.3046A>T, p.Thr1016Ser (NM_000028.3, NM_000643.3, NM_000644.3 and 1 more transcripts); c.2998A>T, p.Thr1000Ser (NM_000646.3); c.3025A>T, p.Thr1009Ser (NM_001425326.1); c.2845A>T, p.Thr949Ser (NM_001425327.1); c.2842A>T, p.Thr948Ser (NM_001425328.1); c.2707A>T, p.Thr903Ser (NM_001425329.1); c.2668A>T, p.Thr890Ser (NM_001425332.1); short protein forms T1016S, T1000S, T1009S, T890S, T903S, T948S, T949S.
Identifiers: ClinVar variation 959928 (VCV000959928.10), dbSNP rs1652914200, ClinGen allele CA341326208.